The following is an entry in ClinVar:

NM_007215.4(POLG2):c.124G>A (p.Gly42Arg)

Genes: MILR1 (mast cell immunoglobulin like receptor 1; plus strand), POLG2 (DNA polymerase gamma 2, accessory subunit; minus strand). Cytogenetic location: 17q23.3.
Variant type: single nucleotide variant.
Coding change: c.124G>A on transcript NM_007215.4 (MANE Select); coding-DNA position 124, G replaced by A.
Protein change: p.Gly42Arg; replaces glycine 42 with arginine.
Molecular consequence: missense variant.
Genome position (GRCh38, 1-based): chr17:64,496,845, C>T on the plus strand (G>A on the coding strand, the complement: POLG2 is on the minus strand). VCF-style: chr17-64496845-C-T. GRCh37 (hg19) VCF-style: chr17-62492963-C-T.
Other names: short protein forms G42R.
Identifiers: ClinVar variation 3001832 (VCV003001832.3), dbSNP rs2038161815, ClinGen allele CA400641597.

ClinVar aggregate classification (germline): Uncertain significance (1 of 4 stars; one submission).

Submission:

Labcorp Genetics (formerly Invitae), Labcorp
Classification: Uncertain significance. Last evaluated: 2023-06-03. Review status: criteria provided, single submitter. Criteria: Invitae Variant Classification Sherloc (09022015). Collection method: clinical testing. Allele origin: germline.
Comment: In summary, the available evidence is currently insufficient to determine the role of this variant in disease. Therefore, it has been classified as a Variant of Uncertain Significance. Algorithms developed to predict the effect of missense changes on protein structure and function output the following: SIFT: "Not Available"; PolyPhen-2: "Benign"; Align-GVGD: "Not Available". The arginine amino acid residue is found in multiple mammalian species, which suggests that this missense change does not adversely affect protein function. This variant has not been reported in the literature in individuals affected with POLG2-related conditions. This variant is not present in population databases (gnomAD no frequency). This sequence change replaces glycine, which is neutral and non-polar, with arginine, which is basic and polar, at codon 42 of the POLG2 protein (p.Gly42Arg).